The following is an entry in ClinVar:

NM_000088.4(COL1A1):c.2464C>G (p.Gln822Glu)

Gene: COL1A1 (collagen type I alpha 1 chain; minus strand). Cytogenetic location: 17q21.33.
Variant type: single nucleotide variant.
Coding change: c.2464C>G on transcript NM_000088.4 (MANE Select); coding-DNA position 2464, C replaced by G.
Protein change: p.Gln822Glu; replaces glutamine 822 with glutamic acid.
Molecular consequence: missense variant.
Genome position (GRCh38, 1-based): chr17:50,190,096, G>C on the plus strand (C>G on the coding strand, the complement: COL1A1 is on the minus strand). VCF-style: chr17-50190096-G-C. GRCh37 (hg19) VCF-style: chr17-48267457-G-C.
Other names: short protein forms Q822E.
Identifiers: ClinVar variation 1513524 (VCV001513524.10), dbSNP rs72651668, ClinGen allele CA8644790.
Genomic context (GRCh38, chr17:50,190,096, plus strand): 5'-CAGGGGGACCAGCATCGCCTTTAGCACCAGCATCACCAGGTTCGCCTTTAGCACCAGGTT[G>C]GCCGTCAGCACCCTGGGGGAGGAAGCAGGGCGGTGAATGGAGGGAAGGAGGCAGGAGTTT-3'
Protein context (NP_000079.2, residues 812-832): GFAGPPGADG[Gln822Glu]PGAKGEPGDA

ClinVar aggregate classification (germline): Conflicting classifications of pathogenicity. Review status: criteria provided, conflicting classifications (1 of 4 stars). 2 submissions from 2 submitters: Uncertain significance (1); Likely benign (1). Last evaluated 2025-03-17.

Conditions:
Cardiovascular phenotype. Identifiers: MedGen CN230736.
Osteogenesis imperfecta type I (OI1). Also called: Lobstein disease; Osteogenesis imperfecta type 1; Lobstein's Disease; Classic Non-deforming Osteogenesis Imperfecta with Blue Sclerae; OI, TYPE I; OSTEOGENESIS IMPERFECTA TARDA. Identifiers: Orphanet 216796, Orphanet 666, MedGen C0023931, MONDO:0008146, OMIM 166200. Disease mechanism: loss of function.

Allele frequency attached by ClinVar (database versions not stated): gnomAD exomes below 0.00001 and 0.00001; gnomAD 0.00001; TOPMed 0.00002; ExAC 0.00003; ESP Exome Variant Server 0.00008.
gnomAD v4.1: 5 of 1,613,658 alleles (0.00031%); highest among the groups gnomAD compares: Non-Finnish European, 0.00042%; 1 homozygote.

Submissions (2):

Labcorp Genetics (formerly Invitae), Labcorp
Classification: Likely benign for Osteogenesis imperfecta type I. Last evaluated: 2025-03-17. Review status: criteria provided, single submitter. Criteria: Invitae Variant Classification Sherloc (09022015). Collection method: clinical testing. Allele origin: germline.

Ambry Genetics
Classification: Uncertain significance for Cardiovascular phenotype. Last evaluated: 2021-10-15. Review status: criteria provided, single submitter. Criteria: Ambry Variant Classification Scheme 2023. Collection method: clinical testing. Allele origin: germline.
Comment: The p.Q822E variant (also known as c.2464C>G), located in coding exon 36 of the COL1A1 gene, results from a C to G substitution at nucleotide position 2464. The glutamine at codon 822 is replaced by glutamic acid, an amino acid with highly similar properties. This amino acid position is highly conserved in available vertebrate species. In addition, the in silico prediction for this alteration is inconclusive. Since supporting evidence is limited at this time, the clinical significance of this alteration remains unclear.